The following is an entry in ClinVar:

ClinVar aggregate classification (germline): Uncertain significance (1 of 4 stars; one submission).

gnomAD v4.1: 1 of 1,483,074 alleles (0.000067%); highest among the groups gnomAD compares: Non-Finnish European, 0.000089%; no homozygotes.

Submission:

Ambry Genetics
Classification: Uncertain significance. Last evaluated: 2025-06-28. Review status: criteria provided, single submitter. Criteria: Ambry Variant Classification Scheme 2023. Collection method: clinical testing. Allele origin: germline.
Comment: The p.P14L variant (also known as c.41C>T), located in coding exon 1 of the RRAS gene, results from a C to T substitution at nucleotide position 41. The proline at codon 14 is replaced by leucine, an amino acid with similar properties. This amino acid position is conserved. In addition, this alteration is predicted to be tolerated by in silico analysis. Based on the available evidence, the clinical significance of this variant remains unclear.

NM_006270.5(RRAS):c.41C>T (p.Pro14Leu)

Gene: RRAS (RAS related; minus strand). Cytogenetic location: 19q13.33.
Variant type: single nucleotide variant.
Coding change: c.41C>T on transcript NM_006270.5 (MANE Select); coding-DNA position 41, C replaced by T.
Protein change: p.Pro14Leu; replaces proline 14 with leucine.
Molecular consequence: missense variant.
Genome position (GRCh38, 1-based): chr19:49,640,058, G>A on the plus strand (C>T on the coding strand, the complement: RRAS is on the minus strand). VCF-style: chr19-49640058-G-A. GRCh37 (hg19) VCF-style: chr19-50143315-G-A.
Other names: short protein forms P14L.
Identifiers: ClinVar variation 4156986 (VCV004156986.1).
Genomic context (GRCh38, chr19:49,640,058, plus strand): 5'-ACCACCAGCTTGTGTGTCTCGCTGGGCGGGGGGTCCCCGGGCCCAGGTCCCCCGCCCCGG[G>A]GCCGCCCCCGCCCTGTCCCGGACGCCGCCCCGCTGCTCATGTCGCCACCGCTGCTGCTGC-3'
Protein context (NP_006261.1, residues 4-24): GAASGTGRGR[Pro14Leu]RGGGPGPGDP